The following is an entry in ClinVar:

NM_006328.4(RBM14):c.597T>C (p.Asp199=)

Genes: RBM14 (RNA binding motif protein 14; plus strand), RBM14-RBM4 (RBM14-RBM4 readthrough; plus strand). Cytogenetic location: 11q13.2.
Variant type: single nucleotide variant.
Coding change: c.597T>C on transcript NM_006328.4 (MANE Select); coding-DNA position 597, T replaced by C.
Protein change: p.Asp199=; no amino-acid change (aspartic acid 199 retained).
Molecular consequence: synonymous variant. On other transcripts: intron variant (4).
Genome position (GRCh38, 1-based): chr11:66,624,473, T>C. VCF-style: chr11-66624473-T-C. GRCh37 (hg19) VCF-style: chr11-66391944-T-C.
Other names: c.337+7416T>C (NM_001198845.2, NM_001198846.2); c.448+149T>C (NM_001198836.2); c.338-1988T>C (NM_001198837.2).
Identifiers: ClinVar variation 2641998 (VCV002641998.24), dbSNP rs2135020172, ClinGen allele CA475495363.
Genomic context (GRCh38, chr11:66,624,473, plus strand): 5'-TGGCTTCTCTGCCACCTTCGACTACCAGCAGGCTTTTGGCAACAGCACTGGTGGCTTTGA[T>C]GGGCAAGCCCGTCAGCCCACACCACCCTTCTTTGGTCGCGACCGCAGCCCTCTGCGCCGT-3'
Protein context (NP_006319.1, residues 189-209): QAFGNSTGGF[Asp199=]GQARQPTPPF

ClinVar aggregate classification (germline): Likely benign (1 of 4 stars; one submission).

Submission:

CeGaT Center for Human Genetics Tuebingen
Classification: Likely benign. Last evaluated: 2023-11-01. Review status: criteria provided, single submitter. Criteria: CeGaT Center For Human Genetics Tuebingen Variant Classification Criteria Version 2. Collection method: clinical testing. Allele origin: germline. Affected: yes. Observed: 1 variant allele.
Comment: RBM14: PM2:Supporting, BP4, BP7